The following is an entry in ClinVar:

ClinVar aggregate classification (germline): Uncertain significance (1 of 4 stars; one submission).

Conditions:
Pyruvate dehydrogenase E1-alpha deficiency (PDHAD). Also called: Ataxia, intermittent, with pyruvate dehydrogenase, or decarboxylase, deficiency; ATAXIA, INTERMITTENT, WITH PYRUVATE DEHYDROGENASE DEFICIENCY; ATAXIA WITH LACTIC ACIDOSIS I; ATAXIA, INTERMITTENT, WITH ABNORMAL PYRUVATE METABOLISM. Identifiers: Orphanet 79243, MedGen C1839413, MONDO:0010717, OMIM 312170.

Submission:

Labcorp Genetics (formerly Invitae), Labcorp
Classification: Uncertain significance for Pyruvate dehydrogenase E1-alpha deficiency. Last evaluated: 2022-04-11. Review status: criteria provided, single submitter. Criteria: Invitae Variant Classification Sherloc (09022015). Collection method: clinical testing. Allele origin: germline.
Comment: Algorithms developed to predict the effect of missense changes on protein structure and function (SIFT, PolyPhen-2, Align-GVGD) all suggest that this variant is likely to be tolerated. In summary, the available evidence is currently insufficient to determine the role of this variant in disease. Therefore, it has been classified as a Variant of Uncertain Significance. This variant has not been reported in the literature in individuals affected with PDHA1-related conditions. This sequence change replaces glutamic acid, which is acidic and polar, with lysine, which is basic and polar, at codon 133 of the PDHA1 protein (p.Glu133Lys). This variant is not present in population databases (gnomAD no frequency).

NM_000284.4(PDHA1):c.397G>A (p.Glu133Lys)

Gene: PDHA1 (pyruvate dehydrogenase E1 subunit alpha 1; plus strand). Cytogenetic location: Xp22.12.
Variant type: single nucleotide variant.
Coding change: c.397G>A on transcript NM_000284.4 (MANE Select); coding-DNA position 397, G replaced by A.
Protein change: p.Glu133Lys; replaces glutamic acid 133 with lysine.
Molecular consequence: missense variant.
Genome position (GRCh38, 1-based): chrX:19,351,386, G>A. VCF-style: chrX-19351386-G-A. GRCh37 (hg19) VCF-style: chrX-19369504-G-A.
Other names: c.511G>A, p.Glu171Lys (NM_001173454.2); c.418G>A, p.Glu140Lys (NM_001173455.2); c.397G>A, p.Glu133Lys (NM_001173456.2); short protein forms E140K, E133K, E171K.
Identifiers: ClinVar variation 2124683 (VCV002124683.4), dbSNP rs1602224672, ClinGen allele CA412391283.